The following is an entry in ClinVar:

NM_000061.3(BTK):c.-31+1G>A

Gene: BTK (Bruton tyrosine kinase; minus strand). Cytogenetic location: Xq22.1.
Variant type: single nucleotide variant.
Coding change: c.-31+1G>A on transcript NM_000061.3 (MANE Select); the canonical splice donor site of the intron after 31 bases upstream of the start codon, G replaced by A.
Molecular consequence: splice donor variant. On other transcripts: intron variant (1).
Genome position (GRCh38, 1-based): chrX:101,386,061, C>T on the plus strand (G>A on the coding strand, the complement: BTK is on the minus strand). VCF-style: chrX-101386061-C-T. GRCh37 (hg19) VCF-style: chrX-100641049-C-T.
Other names: c.-196+1G>A (NM_001287345.2); c.72+4417G>A (NM_001287344.2).
Identifiers: ClinVar variation 942808 (VCV000942808.10), dbSNP rs1927600989, ClinGen allele CA1139667736.

ClinVar aggregate classification (germline): Uncertain significance (1 of 4 stars; one submission).

Conditions:
X-linked agammaglobulinemia with growth hormone deficiency (IGHD3). Also called: ISOLATED GROWTH HORMONE DEFICIENCY, TYPE III, WITH AGAMMAGLOBULINEMIA; HYPOGAMMAGLOBULINEMIA AND ISOLATED GROWTH HORMONE DEFICIENCY, X-LINKED; IGHD III; AGAMMAGLOBULINEMIA AND ISOLATED GROWTH HORMONE DEFICIENCY, X-LINKED; FLEISHER SYNDROME; Isolated growth hormone deficiency type 3. Identifiers: Orphanet 231692, Orphanet 631, MedGen C0472813, MONDO:0010615, OMIM 307200.

Submission:

Labcorp Genetics (formerly Invitae), Labcorp
Classification: Uncertain significance for X-linked agammaglobulinemia with growth hormone deficiency. Last evaluated: 2019-06-29. Review status: criteria provided, single submitter. Criteria: Invitae Variant Classification Sherloc (09022015). Collection method: clinical testing. Allele origin: germline.
Comment: In summary, the available evidence is currently insufficient to determine the role of this variant in disease. Therefore, it has been classified as a Variant of Uncertain Significance. This variant is located in the BTK promoter region containing sequences critical for Btk transcriptional activity (PMID: 8562928), however, experimental studies are not available for this variant, and the functional significance of this variant is currently unknown. A different variant affecting this same nucleotide (c.-31+1G>C, also known as IVS1+1G>C) has been reported in an individual affected with XLA (PMID: 11438999). This variant has been reported in an individual affected with X-linked agammagobulinemia (XLA) (PMID: 19904586). This variant is also known as IVS1+1G>A in the literature. This sequence change affects a donor splice site in intron 1 of the BTK gene. Because exon 1 is non-coding and lies upstream from the transcription start site in the 5'UTR promoter region, the effect of this variant cannot be predicted.

Literature cited by the submitters: PubMed 8562928; PubMed 11438999; PubMed 19904586.